The following is an entry in ClinVar:

NM_007294.4(BRCA1):c.2210_2211del (p.Thr737fs)

Gene: BRCA1 (BRCA1 DNA repair associated; minus strand). Cytogenetic location: 17q21.31.
Variant type: Deletion.
Coding change: c.2210_2211del on transcript NM_007294.4 (MANE Select); coding-DNA positions 2210 to 2211, 2 bases deleted (CA; older notation c.2210_2211delCA).
Protein change: p.Thr737fs; shifts the reading frame from threonine 737.
Molecular consequence: frameshift variant. On other transcripts: intron variant (137).
Genome position (GRCh38, 1-based): chr17:43,093,320-43,093,321, TG deleted on the plus strand (CA on the coding strand, the reverse complement: BRCA1 is on the minus strand); deleting any 2 consecutive bases within chr17:43,093,320-43,093,322 gives the same sequence; the c. name uses the placement nearest the transcript's 3' end. VCF-style (leftmost placement, unchanged base first): chr17-43093319-CTG-C. GRCh37 (hg19) VCF-style: chr17-41245336-CTG-C.
Other names: 2329delCA; c.2210_2211delCA (NM_007294.3); c.790+1420_790+1421del (NM_001408406.1); c.646+1423_646+1424del (NM_001408456.1, NM_001408410.1, NM_001408458.1 and 11 more transcripts); c.643+1423_643+1424del (NM_001408465.1, NM_001408463.1, NM_001408462.1 and 3 more transcripts); c.577+1423_577+1424del (NM_001408482.1, NM_001408484.1, NM_001408478.1 and 9 more transcripts); c.520+1423_520+1424del (NM_001408504.1, NM_001408503.1, NM_001408505.1); c.523+1423_523+1424del (NM_001408499.1, NM_001408498.1, NM_001408501.1 and 3 more transcripts); and 43 more; short protein forms T690fs, T737fs, T609fs, T610fs, T649fs, T696fs, T710fs, T441fs.
Identifiers: ClinVar variation 37456 (VCV000037456.16), dbSNP rs80357654, ClinGen allele CA001477.

ClinVar aggregate classification (germline): Pathogenic. Review status: reviewed by expert panel (3 of 4 stars). 10 submissions from 10 submitters: Pathogenic (1). 9 of the submissions do not count toward it. Last evaluated 2016-09-08.

Conditions:
Hereditary cancer-predisposing syndrome. Also called: Tumor predisposition; Neoplastic Syndromes, Hereditary; Hereditary Cancer Syndrome; Hereditary neoplastic syndrome. Identifiers: Orphanet 140162, MedGen C0027672, MeSH D009386, MONDO:0015356.
Hereditary breast ovarian cancer syndrome. Also called: Hereditary breast and ovarian cancer syndrome (HBOC); Hereditary breast and ovarian cancer syndrome; Hereditary breast and ovarian cancer; Hereditary breast and/or ovarian cancer syndrome; Breast and ovarian cancer; BRCA1- and BRCA2-Associated Hereditary Breast and Ovarian Cancer. Identifiers: Orphanet 145, MedGen C0677776, MeSH D061325, MONDO:0003582. Disease mechanism: loss of function.
Breast-ovarian cancer, familial, susceptibility to, 1 (BROVCA1). Also called: OVARIAN CANCER, SUSCEPTIBILITY TO; BRCA1 Hereditary Breast and Ovarian Cancer. Identifiers: Orphanet 145, MedGen C2676676, MONDO:0011450, OMIM 604370. Disease mechanism: loss of function.

Submissions (10):

Evidence-based Network for the Interpretation of Germline Mutant Alleles (ENIGMA)
Classification: Pathogenic for Breast-ovarian cancer, familial, susceptibility to, 1. Last evaluated: 2016-09-08. Review status: reviewed by expert panel. Criteria: ENIGMA BRCA1/2 Classification Criteria (2015). Collection method: curation. Allele origin: germline.
Comment: Variant allele predicted to encode a truncated non-functional protein.

All of Us Research Program, National Institutes of Health
Classification: Pathogenic for Breast-ovarian cancer, familial, susceptibility to, 1. Last evaluated: 2023-12-07. Review status: criteria provided, single submitter. Criteria: ACMG Guidelines, 2015. Collection method: clinical testing. Allele origin: germline. Inheritance: Autosomal dominant inheritance. Observed: 1 variant allele, 1 heterozygote. Not counted in ClinVar's aggregate classification.
Comment: The c.2210_2211del (p.Thr737Serfs*2) variant of the BRCA1 gene creates an early stop codon. It is expected to result in an absent or disrupted protein product. This variant has been reported in an individual with breast and ovarian cancer (PMID: 9667259). ClinVar contains an entry for this variant (ID: 37456). This variant has not been identified in the general population by the Genome Aggregation Database (gnomAD). Truncating variants in BRCA1 gene are known to be pathogenic (PMID: 21989022, 17661172, 22762150). Therefore the c.2210_2211del (p.Thr737Serfs*2) variant of the BRCA1 gene is classified as pathogenic.

This study involves interpretation of variants in research participants for the purpose of population health screening. Participant phenotype was not available at the time of variant classification. Additional details can be found in publication PMID: 35346344, PMCID: PMC8962531

Ambry Genetics
Classification: Pathogenic for Hereditary cancer-predisposing syndrome. Last evaluated: 2023-11-16. Review status: criteria provided, single submitter. Criteria: Ambry Variant Classification Scheme 2023. Collection method: clinical testing. Allele origin: germline. Not counted in ClinVar's aggregate classification.
Comment: The c.2210_2211delCA pathogenic mutation, located in coding exon 9 of the BRCA1 gene, results from a deletion of two nucleotides at nucleotide positions 2210 to 2211, causing a translational frameshift with a predicted alternate stop codon (p.T737Sfs*2). This variant is considered to be rare based on population cohorts in the Genome Aggregation Database (gnomAD). This alteration is expected to result in loss of function by premature protein truncation or nonsense-mediated mRNA decay. As such, this alteration is interpreted as a disease-causing mutation.

Labcorp Genetics (formerly Invitae), Labcorp
Classification: Pathogenic for Hereditary breast ovarian cancer syndrome. Last evaluated: 2023-04-06. Review status: criteria provided, single submitter. Criteria: Invitae Variant Classification Sherloc (09022015). Collection method: clinical testing. Allele origin: germline. Not counted in ClinVar's aggregate classification.
Comment: This sequence change creates a premature translational stop signal (p.Thr737Serfs*2) in the BRCA1 gene. It is expected to result in an absent or disrupted protein product. Loss-of-function variants in BRCA1 are known to be pathogenic (PMID: 20104584). This variant is not present in population databases (gnomAD no frequency). This premature translational stop signal has been observed in individual(s) with breast and ovarian cancer (PMID: 9667259). This variant is also known as 2329delCA. ClinVar contains an entry for this variant (Variation ID: 37456). For these reasons, this variant has been classified as Pathogenic.

GeneDx
Classification: Pathogenic. Last evaluated: 2018-02-21. Review status: criteria provided, single submitter. Criteria: GeneDx Variant Classification (06012015). Collection method: clinical testing. Allele origin: germline. Affected: yes. Not counted in ClinVar's aggregate classification.
Comment: This deletion of 2 nucleotides in BRCA1 is denoted c.2210_2211delCA at the cDNA level and p.Thr737SerfsX2(T737SfsX2) at the protein level. The normal sequence, with the bases that are deleted in braces, is GAAA[CA]GTTA. The deletion causes a frameshift, which changes a Threonine to a Serine at codon 737, and creates a premature stop codon at position 2 of the new reading frame. This variant is predicted to cause loss of normal protein function through either protein truncation or nonsense-mediated mRNA decay. BRCA1 c.2210_2211delCA, published as c.2329delCA using alternate nomenclature, was observed in a patient with ovarian and bilateral breast cancer (Frank 1998). We consider this variant to be pathogenic.

Consortium of Investigators of Modifiers of BRCA1/2 (CIMBA), c/o University of Cambridge
Classification: Pathogenic for Breast-ovarian cancer, familial, susceptibility to, 1. Last evaluated: 2015-10-02. Review status: criteria provided, single submitter. Criteria: CIMBA Mutation Classification guidelines May 2016. Collection method: clinical testing. Allele origin: germline. Not counted in ClinVar's aggregate classification.

BRCAlab, Lund University
Classification: Pathogenic for Breast-ovarian cancer, familial, susceptibility to, 1. Last evaluated: 2020-03-02. Review status: no assertion criteria provided. Collection method: clinical testing. Allele origin: germline. Affected: yes. Not counted in ClinVar's aggregate classification.

Research Molecular Genetics Laboratory, Women's College Hospital, University of Toronto
Classification: Pathogenic for Hereditary breast ovarian cancer syndrome. Last evaluated: 2014-01-31. Review status: no assertion criteria provided. Collection method: research. Allele origin: germline. Affected: yes. Study: The Canadian Open Genetics Repository (COGR). Not counted in ClinVar's aggregate classification.

Sharing Clinical Reports Project (SCRP)
Classification: Pathogenic for Breast-ovarian cancer, familial 1. Last evaluated: 2012-05-08. Review status: no assertion criteria provided. Collection method: clinical testing. Allele origin: germline. Not counted in ClinVar's aggregate classification.

Breast Cancer Information Core (BIC) (BRCA1)
Classification: Pathogenic for Breast-ovarian cancer, familial 1. Last evaluated: 1997-11-14. Review status: no assertion criteria provided. Collection method: clinical testing. Allele origin: germline. Affected: yes. Observed: 1 variant allele. Not counted in ClinVar's aggregate classification.

Literature cited by the submitters: PubMed 9667259 (cited by 3 submitters); PubMed 17661172 (cited by All of Us Research Program, National Institutes of Health); PubMed 21989022 (cited by All of Us Research Program, National Institutes of Health); PubMed 22762150 (cited by All of Us Research Program, National Institutes of Health); PubMed 20104584 (cited by Labcorp Genetics (formerly Invitae), Labcorp).